The following is an entry in ClinVar:

ClinVar aggregate classification (germline): Uncertain significance (1 of 4 stars; one submission).

Conditions:
Combined oxidative phosphorylation defect type 14. Also called: Combined oxidative phosphorylation deficiency 14. Identifiers: Orphanet 319519, MedGen C4755312, MONDO:0013986, OMIM 614946.

Submission:

Labcorp Genetics (formerly Invitae), Labcorp
Classification: Uncertain significance for Combined oxidative phosphorylation defect type 14. Last evaluated: 2025-02-04. Review status: criteria provided, single submitter. Criteria: Invitae Variant Classification Sherloc (09022015). Collection method: clinical testing. Allele origin: germline.
Comment: This sequence change replaces valine, which is neutral and non-polar, with phenylalanine, which is neutral and non-polar, at codon 70 of the FARS2 protein (p.Val70Phe). This variant is not present in population databases (gnomAD no frequency). This variant has not been reported in the literature in individuals affected with FARS2-related conditions. Invitae Evidence Modeling of protein sequence and biophysical properties (such as structural, functional, and spatial information, amino acid conservation, physicochemical variation, residue mobility, and thermodynamic stability) indicates that this missense variant is expected to disrupt FARS2 protein function with a positive predictive value of 95%. In summary, the available evidence is currently insufficient to determine the role of this variant in disease. Therefore, it has been classified as a Variant of Uncertain Significance.

NM_006567.5(FARS2):c.208G>T (p.Val70Phe)

Genes: FARS2 (phenylalanyl-tRNA synthetase 2, mitochondrial; plus strand), LOC126859565 (CDK7 strongly-dependent group 2 enhancer GRCh37_chr6:5368745-5369944; plus strand). Cytogenetic location: 6p25.1.
Variant type: single nucleotide variant.
Coding change: c.208G>T on transcript NM_006567.5 (MANE Select); coding-DNA position 208, G replaced by T.
Protein change: p.Val70Phe; replaces valine 70 with phenylalanine.
Molecular consequence: missense variant. On other transcripts: intron variant (2).
Genome position (GRCh38, 1-based): chr6:5,368,778, G>T. VCF-style: chr6-5368778-G-T. GRCh37 (hg19) VCF-style: chr6-5369011-G-T.
Other names: c.208G>T, p.Val70Phe (NM_001318872.2, NM_001374875.1, NM_001374876.1 and 5 more transcripts); c.-340-27855G>T (NM_001375260.1); c.-84-35764G>T (NM_001375259.1); short protein forms V70F.
Identifiers: ClinVar variation 4702463 (VCV004702463.1).
Genomic context (GRCh38, chr6:5,368,778, plus strand): 5'-GTGGTGGAGCTGCTGGGCAAATCCTACCCTCAGGACGACCACAGCAACCTCACCCGGAAG[G>T]TCCTCACCAGAGTTGGCAGGAACCTGCACAACCAGCAGCATCACCCTCTGTGGCTGATCA-3'
Protein context (NP_006558.1, residues 60-80): QDDHSNLTRK[Val70Phe]LTRVGRNLHN